The following is an entry in ClinVar:

NM_000038.6(APC):c.7884G>C (p.Gln2628His)

Gene: APC (APC regulator of Wnt signaling pathway; plus strand). Cytogenetic location: 5q22.2.
Variant type: single nucleotide variant.
Coding change: c.7884G>C on transcript NM_000038.6 (MANE Select); coding-DNA position 7884, G replaced by C.
Protein change: p.Gln2628His; replaces glutamine 2628 with histidine.
Molecular consequence: missense variant. On other transcripts: non-coding transcript variant (2).
Genome position (GRCh38, 1-based): chr5:112,843,478, G>C. VCF-style: chr5-112843478-G-C. GRCh37 (hg19) VCF-style: chr5-112179175-G-C.
Other names: c.7884G>C (NM_000038.5); c.7884G>C, p.Gln2628His (NM_001127510.3, NM_001354895.2, NM_001407450.1); c.7830G>C, p.Gln2610His (NM_001127511.3); c.7938G>C, p.Gln2646His (NM_001354896.2, NM_001407447.1, NM_001407448.1 and 1 more transcripts); c.7914G>C, p.Gln2638His (NM_001354897.2); c.7809G>C, p.Gln2603His (NM_001354898.2); c.7800G>C, p.Gln2600His (NM_001354899.2); c.7761G>C, p.Gln2587His (NM_001354900.2); and 12 more; short protein forms Q2244H, Q2345H, Q2468H, Q2499H, Q2502H, Q2527H, Q2537H, Q2545H.
Identifiers: ClinVar variation 4801525 (VCV004801525.2).

ClinVar aggregate classification (germline): Uncertain significance. Review status: criteria provided, multiple submitters, no conflicts (2 of 4 stars). 2 submissions from 2 submitters: Uncertain significance (2). Last evaluated 2026-03-13.

Conditions:
Familial adenomatous polyposis 1 (FAP1). Also called: FAMILIAL ADENOMATOUS POLYPOSIS 1, ATTENUATED; POLYPOSIS, ADENOMATOUS INTESTINAL. Identifiers: MedGen C2713442, MONDO:0021056, OMIM 175100. Disease mechanism: loss of function.
Hereditary cancer-predisposing syndrome. Also called: Neoplastic Syndromes, Hereditary; Hereditary neoplastic syndrome; Tumor predisposition; Hereditary Cancer Syndrome. Identifiers: Orphanet 140162, MedGen C0027672, MeSH D009386, MONDO:0015356.

Submissions (2):

Ambry Genetics
Classification: Uncertain significance for Hereditary cancer-predisposing syndrome. Last evaluated: 2026-03-13. Review status: criteria provided, single submitter. Criteria: Ambry Variant Classification Scheme 2023. Collection method: clinical testing. Allele origin: germline.
Comment: The p.Q2628H variant (also known as c.7884G>C), located in coding exon 15 of the APC gene, results from a G to C substitution at nucleotide position 7884. The glutamine at codon 2628 is replaced by histidine, an amino acid with highly similar properties. This amino acid position is conserved. In addition, in silico predictors for this gene do not accurately predict pathogenicity. Based on the available evidence, the clinical significance of this variant remains unclear.

Labcorp Genetics (formerly Invitae), Labcorp
Classification: Uncertain significance for Familial adenomatous polyposis 1. Last evaluated: 2025-10-26. Review status: criteria provided, single submitter. Criteria: Invitae Variant Classification Sherloc (09022015). Collection method: clinical testing. Allele origin: germline.
Comment: This sequence change replaces glutamine, which is neutral and polar, with histidine, which is basic and polar, at codon 2628 of the APC protein (p.Gln2628His). This variant is not present in population databases (gnomAD no frequency). This variant has not been reported in the literature in individuals affected with APC-related conditions. Invitae Evidence Modeling of protein sequence and biophysical properties (such as structural, functional, and spatial information, amino acid conservation, physicochemical variation, residue mobility, and thermodynamic stability) indicates that this missense variant is not expected to disrupt APC protein function with a negative predictive value of 95%. In summary, the available evidence is currently insufficient to determine the role of this variant in disease. Therefore, it has been classified as a Variant of Uncertain Significance.